The following is an entry in ClinVar:

NM_006513.4(SARS1):c.362G>A (p.Arg121Gln)

Gene: SARS1 (seryl-tRNA synthetase 1; plus strand). Cytogenetic location: 1p13.3.
Variant type: single nucleotide variant.
Coding change: c.362G>A on transcript NM_006513.4 (MANE Select); coding-DNA position 362, G replaced by A.
Protein change: p.Arg121Gln; replaces arginine 121 with glutamine.
Molecular consequence: missense variant.
Genome position (GRCh38, 1-based): chr1:109,229,487, G>A. VCF-style: chr1-109229487-G-A. GRCh37 (hg19) VCF-style: chr1-109772109-G-A.
Other names: c.362G>A, p.Arg121Gln (NM_001330669.1); short protein forms R121Q.
Identifiers: ClinVar variation 3061594 (VCV003061594.4), dbSNP rs772315632, ClinGen allele CA985985.

ClinVar aggregate classification (germline): Uncertain significance. Review status: criteria provided, multiple submitters, no conflicts (2 of 4 stars). 3 submissions from 3 submitters: Uncertain significance (2). 1 of the submissions does not count toward it. Last evaluated 2025-07-29.

Conditions:
SARS1-related disorder. Also called: SARS1-related disorders; SARS1-related condition.
Neurodevelopmental disorder with microcephaly, ataxia, and seizures. Identifiers: MedGen C4540188, MONDO:0060577, OMIM 617709.

Allele frequency attached by ClinVar (database versions not stated): gnomAD 0.00001; gnomAD exomes 0.00001; TOPMed 0.00001; ExAC 0.00002.
gnomAD v4.1: 20 of 1,614,068 alleles (0.0012%); highest among the groups gnomAD compares: African/African-American, 0.0027%; no homozygotes.

Submissions (3):

Undiagnosed Diseases Network, NIH
Classification: Uncertain significance for Neurodevelopmental disorder with microcephaly, ataxia, and seizures. Last evaluated: 2025-07-29. Review status: criteria provided, single submitter. Criteria: ACMG Guidelines, 2015. Collection method: clinical testing. Allele origin: paternal. Affected: yes. Observed: 1 variant allele, 1 compound heterozygote. Study: Undiagnosed Diseases Network (NIH), UDN.

Ambry Genetics
Classification: Uncertain significance. Last evaluated: 2025-04-11. Review status: criteria provided, single submitter. Criteria: Ambry Variant Classification Scheme 2023. Collection method: clinical testing. Allele origin: germline.

PreventionGenetics, part of Exact Sciences
Classification: Uncertain significance for SARS1-related condition. Last evaluated: 2023-10-25. Review status: no assertion criteria provided. Collection method: clinical testing. Allele origin: germline. Not counted in ClinVar's aggregate classification.
Comment: The SARS1 c.362G>A variant is predicted to result in the amino acid substitution p.Arg121Gln. To our knowledge, this variant has not been reported in the literature. This variant is reported in 0.0023% of alleles in individuals of European (Non-Finnish) descent in gnomAD. At this time, the clinical significance of this variant is uncertain due to the absence of conclusive functional and genetic evidence.